The following is an entry in ClinVar:

ClinVar aggregate classification (germline): Benign/Likely benign. Review status: criteria provided, multiple submitters, no conflicts (2 of 4 stars). 8 submissions from 8 submitters: Benign (1); Likely benign (5). 2 of the submissions do not count toward it. Last evaluated 2026-01-11.

Conditions:
FGFR3-related disorder. Also called: FGFR3-related disorders.

Allele frequency attached by ClinVar (database versions not stated): gnomAD exomes 0.00013 and 0.00024; ExAC 0.00030; 1000 Genomes Project 0.00040; 1000 Genomes Project 30x 0.00047; gnomAD 0.00089 and 0.00095; ESP Exome Variant Server 0.00100; TOPMed 0.00104.
gnomAD v4.1: 348 of 1,612,446 alleles (0.022%); highest among the groups gnomAD compares: African/African-American, 0.38%; 2 homozygotes.

Submissions (8):

Labcorp Genetics (formerly Invitae), Labcorp
Classification: Likely benign. Last evaluated: 2026-01-11. Review status: criteria provided, single submitter. Criteria: Invitae Variant Classification Sherloc (09022015). Collection method: clinical testing. Allele origin: germline.

Blueprint Genetics
Classification: Likely benign. Last evaluated: 2024-11-25. Review status: criteria provided, single submitter. Criteria: ACMG Guidelines, 2015. Collection method: clinical testing. Allele origin: germline.

Women's Health and Genetics/Laboratory Corporation of America, LabCorp
Classification: Likely benign. Last evaluated: 2023-07-12. Review status: criteria provided, single submitter. Criteria: LabCorp Variant Classification Summary - May 2015. Collection method: clinical testing. Allele origin: germline.
Comment: Variant summary: FGFR3 c.2149G>A (p.Ala717Thr) results in a non-conservative amino acid change located in the Protein kinase domain (IPR000719) of the encoded protein sequence. Three of five in-silico tools predict a benign effect of the variant on protein function. The variant allele was found at a frequency of 0.00024 in 249802 control chromosomes, predominantly at a frequency of 0.0031 within the African or African-American subpopulation in the gnomAD databaset, suggesting that the variant is a benign polymorphism found primarily in populations of African or African-American origin. To our knowledge, no occurrence of c.2149G>A in individuals affected with Achondroplasia and no experimental evidence demonstrating its impact on protein function have been reported. Four submitters have cited clinical-significance assessments for this variant to ClinVar after 2014. All submitters classified the variant as benign/likely benign. Based on the evidence outlined above, the variant was classified as likely benign.

GeneDx
Classification: Benign. Last evaluated: 2019-12-04. Review status: criteria provided, single submitter. Criteria: GeneDx Variant Classification Process June 2021. Collection method: clinical testing. Allele origin: germline. Affected: yes.
Comment: This variant is associated with the following publications: (PMID: 23900974)

Eurofins Ntd Llc (ga)
Classification: Likely benign. Last evaluated: 2017-05-12. Review status: criteria provided, single submitter. Criteria: EGL Classification Definitions 2015. Collection method: clinical testing. Allele origin: germline. Observed: 1 variant allele, 1 heterozygote.

Center for Pediatric Genomic Medicine, Children's Mercy Hospital and Clinics
Classification: Likely benign. Last evaluated: 2016-09-01. Review status: criteria provided, single submitter. Criteria: ACMG Guidelines, 2015. Collection method: clinical testing. Allele origin: germline.
ClinVar note: Converted during submission from Likely Benign to Likely benign.

PreventionGenetics, part of Exact Sciences
Classification: Likely benign for FGFR3-related condition. Last evaluated: 2019-04-09. Review status: no assertion criteria provided. Collection method: clinical testing. Allele origin: germline. Not counted in ClinVar's aggregate classification.
Comment: This variant is classified as likely benign based on ACMG/AMP sequence variant interpretation guidelines (Richards et al. 2015 PMID: 25741868, with internal and published modifications).

ITMI
No classification provided. Condition: AllHighlyPenetrant. Last evaluated: 2013-09-19. Review status: no classification provided. Collection method: reference population. Allele origin: germline. Not counted in ClinVar's aggregate classification.
Comment: Please see associated publication for description of ethnicities

Literature cited by the submitters: PubMed 24728327 (cited by ITMI).

NM_000142.5(FGFR3):c.2149G>A (p.Ala717Thr)

Gene: FGFR3 (fibroblast growth factor receptor 3; plus strand). Cytogenetic location: 4p16.3.
Variant type: single nucleotide variant.
Coding change: c.2149G>A on transcript NM_000142.5 (MANE Select); coding-DNA position 2149, G replaced by A.
Protein change: p.Ala717Thr; replaces alanine 717 with threonine.
Molecular consequence: missense variant. On other transcripts: non-coding transcript variant (1).
Genome position (GRCh38, 1-based): chr4:1,806,664, G>A. VCF-style: chr4-1806664-G-A. GRCh37 (hg19) VCF-style: chr4-1808391-G-A.
Other names: c.2155G>A, p.Ala719Thr (NM_001163213.2); c.2152G>A, p.Ala718Thr (NM_001354809.2); c.2081G>A, p.Arg694His (NM_001354810.2); c.1813G>A, p.Ala605Thr (NM_022965.4); short protein forms A717T, A719T, A718T, A605T, R694H.
Identifiers: ClinVar variation 134408 (VCV000134408.59), dbSNP rs17882190, ClinGen allele CA159722.
Genomic context (GRCh38, chr4:1,806,664, plus strand): 5'-GGCATCCCTGTGGAGGAGCTCTTCAAGCTGCTGAAGGAGGGCCACCGCATGGACAAGCCC[G>A]CCAACTGCACACACGACCTGTGAGTGGCATCCCTGGCCCTCCACTGGGTCCTCAGGGGTG-3'
Protein context (NP_000133.1, residues 707-727): LKEGHRMDKP[Ala717Thr]NCTHDLYMIM